The following is an entry in ClinVar:

NM_020937.4(FANCM):c.6066C>G (p.Ile2022Met)

Gene: FANCM (FA complementation group M; plus strand). Cytogenetic location: 14q21.2.
Variant type: single nucleotide variant.
Coding change: c.6066C>G on transcript NM_020937.4 (MANE Select); coding-DNA position 6066, C replaced by G.
Protein change: p.Ile2022Met; replaces isoleucine 2022 with methionine.
Molecular consequence: missense variant.
Genome position (GRCh38, 1-based): chr14:45,199,927, C>G. VCF-style: chr14-45199927-C-G. GRCh37 (hg19) VCF-style: chr14-45669130-C-G.
Other names: c.5988C>G, p.Ile1996Met (NM_001308133.2); c.6066C>G (NM_020937.2); short protein forms I1996M, I2022M.
Identifiers: ClinVar variation 1464922 (VCV001464922.9), dbSNP rs2139331995, ClinGen allele CA389588227.

ClinVar aggregate classification (germline): Uncertain significance. Review status: criteria provided, multiple submitters, no conflicts (2 of 4 stars). 2 submissions from 2 submitters: Uncertain significance (2). Last evaluated 2025-07-28.

Conditions:
Inborn genetic diseases. Identifiers: MedGen C0950123, MeSH D030342.
Fanconi anemia (FA). Also called: Fanconi's anemia. Identifiers: Orphanet 84, MedGen C0015625, MeSH D005199, MONDO:0019391.

Submissions (2):

Ambry Genetics
Classification: Uncertain significance for Inborn genetic diseases. Last evaluated: 2025-07-28. Review status: criteria provided, single submitter. Criteria: Ambry Variant Classification Scheme 2023. Collection method: clinical testing. Allele origin: germline.
Comment: The p.I2022M variant (also known as c.6066C>G), located in coding exon 23 of the FANCM gene, results from a C to G substitution at nucleotide position 6066. The isoleucine at codon 2022 is replaced by methionine, an amino acid with highly similar properties. This amino acid position is conserved. In addition, this alteration is predicted to be tolerated by in silico analysis. Based on the available evidence, the clinical significance of this variant remains unclear.

Labcorp Genetics (formerly Invitae), Labcorp
Classification: Uncertain significance for Fanconi anemia. Last evaluated: 2021-03-21. Review status: criteria provided, single submitter. Criteria: Invitae Variant Classification Sherloc (09022015). Collection method: clinical testing. Allele origin: germline.
Comment: This variant has not been reported in the literature in individuals with FANCM-related conditions. This variant is not present in population databases (ExAC no frequency). This sequence change replaces isoleucine with methionine at codon 2022 of the FANCM protein (p.Ile2022Met). The isoleucine residue is moderately conserved and there is a small physicochemical difference between isoleucine and methionine. Algorithms developed to predict the effect of missense changes on protein structure and function are either unavailable or do not agree on the potential impact of this missense change (SIFT: "Deleterious"; PolyPhen-2: "Probably Damaging"; Align-GVGD: "Class C0"). In summary, the available evidence is currently insufficient to determine the role of this variant in disease. Therefore, it has been classified as a Variant of Uncertain Significance.